The following is an entry in ClinVar:

NM_001298.3(CNGA3):c.1097T>C (p.Ile366Thr)

Gene: CNGA3 (cyclic nucleotide gated channel subunit alpha 3; plus strand). Cytogenetic location: 2q11.2.
Variant type: single nucleotide variant.
Coding change: c.1097T>C on transcript NM_001298.3 (MANE Select); coding-DNA position 1097, T replaced by C.
Protein change: p.Ile366Thr; replaces isoleucine 366 with threonine.
Molecular consequence: missense variant.
Genome position (GRCh38, 1-based): chr2:98,396,267, T>C. VCF-style: chr2-98396267-T-C. GRCh37 (hg19) VCF-style: chr2-99012730-T-C.
Other names: c.1043T>C, p.Ile348Thr (NM_001079878.2); short protein forms I348T, I366T.
Identifiers: ClinVar variation 1335396 (VCV001335396.35), dbSNP rs773410146, ClinGen allele CA1793942.

ClinVar aggregate classification (germline): Likely pathogenic (1 of 4 stars; one submission).

Allele frequency attached by ClinVar (database versions not stated): gnomAD exomes below 0.00001; ExAC 0.00001.
gnomAD v4.1: 3 of 1,612,402 alleles (0.00019%); highest among the groups gnomAD compares: South Asian, 0.0011%; no homozygotes.

Submission:

CeGaT Center for Human Genetics Tuebingen
Classification: Likely pathogenic. Last evaluated: 2022-05-01. Review status: criteria provided, single submitter. Criteria: CeGaT Center For Human Genetics Tuebingen Variant Classification Criteria Version 2. Collection method: clinical testing. Allele origin: germline. Affected: yes. Observed: 2 variant alleles.
Comment: CNGA3: PM2, PM3, PP3, PP4